The following is an entry in ClinVar:

NM_000049.4(ASPA):c.470T>C (p.Ile157Thr)

Genes: ASPA (aspartoacylase; plus strand), SPATA22 (spermatogenesis associated 22; minus strand). Cytogenetic location: 17p13.2.
Variant type: single nucleotide variant.
Coding change: c.470T>C on transcript NM_000049.4 (MANE Select); coding-DNA position 470, T replaced by C.
Protein change: p.Ile157Thr; replaces isoleucine 157 with threonine.
Molecular consequence: missense variant. On other transcripts: intron variant (2).
Genome position (GRCh38, 1-based): chr17:3,483,536, T>C. VCF-style: chr17-3483536-T-C. GRCh37 (hg19) VCF-style: chr17-3386830-T-C.
Other names: c.470T>C, p.Ile157Thr (NM_001128085.1); c.-73-14138A>G (NM_001321336.2, NM_001321337.2); short protein forms I157T.
Identifiers: ClinVar variation 2184493 (VCV002184493.1), dbSNP rs140357187, ClinGen allele CA8288942.

ClinVar aggregate classification (germline): Uncertain significance (1 of 4 stars; one submission).

Conditions:
Spongy degeneration of central nervous system. Also called: ACY2 DEFICIENCY; AMINOACYLASE 2 DEFICIENCY; ASP DEFICIENCY; ASPA DEFICIENCY; ASPARTOACYLASE DEFICIENCY; CANAVAN-VAN BOGAERT-BERTRAND DISEASE. Identifiers: Orphanet 141, MedGen C0206307, MONDO:0010079, OMIM 271900.

Allele frequency attached by ClinVar (database versions not stated): ExAC 0.00005; ESP Exome Variant Server 0.00008; gnomAD exomes 0.00001; TOPMed 0.00011; 1000 Genomes Project 30x 0.00047; 1000 Genomes Project 0.00040; gnomAD 0.00010.
gnomAD v4.1: 27 of 1,614,210 alleles (0.0017%); highest among the groups gnomAD compares: African/African-American, 0.036%; no homozygotes.

Submission:

Labcorp Genetics (formerly Invitae), Labcorp
Classification: Uncertain significance for Spongy degeneration of central nervous system. Last evaluated: 2022-01-16. Review status: criteria provided, single submitter. Criteria: Invitae Variant Classification Sherloc (09022015). Collection method: clinical testing. Allele origin: germline.
Comment: This sequence change replaces isoleucine, which is neutral and non-polar, with threonine, which is neutral and polar, at codon 157 of the ASPA protein (p.Ile157Thr). This variant is present in population databases (rs140357187, gnomAD 0.04%). This variant has not been reported in the literature in individuals affected with ASPA-related conditions. Advanced modeling of protein sequence and biophysical properties (such as structural, functional, and spatial information, amino acid conservation, physicochemical variation, residue mobility, and thermodynamic stability) performed at Invitae indicates that this missense variant is not expected to disrupt ASPA protein function. In summary, the available evidence is currently insufficient to determine the role of this variant in disease. Therefore, it has been classified as a Variant of Uncertain Significance.